The following is an entry in ClinVar:

ClinVar aggregate classification (germline): Uncertain significance (1 of 4 stars; one submission).

Conditions:
Familial adenomatous polyposis 1 (FAP1). Also called: FAMILIAL ADENOMATOUS POLYPOSIS 1, ATTENUATED; POLYPOSIS, ADENOMATOUS INTESTINAL. Identifiers: MedGen C2713442, MONDO:0021056, OMIM 175100. Disease mechanism: loss of function.

Submission:

Labcorp Genetics (formerly Invitae), Labcorp
Classification: Uncertain significance for Familial adenomatous polyposis 1. Last evaluated: 2024-11-12. Review status: criteria provided, single submitter. Criteria: Invitae Variant Classification Sherloc (09022015). Collection method: clinical testing. Allele origin: germline.
Comment: This sequence change replaces arginine, which is basic and polar, with proline, which is neutral and non-polar, at codon 1742 of the APC protein (p.Arg1742Pro). This variant is not present in population databases (gnomAD no frequency). This variant has not been reported in the literature in individuals affected with APC-related conditions. Invitae Evidence Modeling of protein sequence and biophysical properties (such as structural, functional, and spatial information, amino acid conservation, physicochemical variation, residue mobility, and thermodynamic stability) indicates that this missense variant is not expected to disrupt APC protein function with a negative predictive value of 95%. In summary, the available evidence is currently insufficient to determine the role of this variant in disease. Therefore, it has been classified as a Variant of Uncertain Significance.

NM_000038.6(APC):c.5225G>C (p.Arg1742Pro)

Gene: APC (APC regulator of Wnt signaling pathway; plus strand). Cytogenetic location: 5q22.2.
Variant type: single nucleotide variant.
Coding change: c.5225G>C on transcript NM_000038.6 (MANE Select); coding-DNA position 5225, G replaced by C.
Protein change: p.Arg1742Pro; replaces arginine 1742 with proline.
Molecular consequence: missense variant. On other transcripts: non-coding transcript variant (2).
Genome position (GRCh38, 1-based): chr5:112,840,819, G>C. VCF-style: chr5-112840819-G-C. GRCh37 (hg19) VCF-style: chr5-112176516-G-C.
Other names: c.5225G>C, p.Arg1742Pro (NM_001127510.3, NM_001354895.2, NM_001407450.1); c.5171G>C, p.Arg1724Pro (NM_001127511.3); c.5279G>C, p.Arg1760Pro (NM_001354896.2, NM_001407447.1, NM_001407448.1 and 1 more transcripts); c.5255G>C, p.Arg1752Pro (NM_001354897.2); c.5150G>C, p.Arg1717Pro (NM_001354898.2); c.5141G>C, p.Arg1714Pro (NM_001354899.2); c.5102G>C, p.Arg1701Pro (NM_001354900.2); c.5048G>C, p.Arg1683Pro (NM_001354901.2, NM_001407453.1); and 11 more; short protein forms R1459P, R1641P, R1651P, R1683P, R1701P, R1760P, R1770P, R1717P.
Identifiers: ClinVar variation 3635483 (VCV003635483.2).